The following is an entry in ClinVar:

NM_015338.6(ASXL1):c.4004G>A (p.Ser1335Asn)

Gene: ASXL1 (ASXL transcriptional regulator 1; plus strand). Cytogenetic location: 20q11.21.
Variant type: single nucleotide variant.
Coding change: c.4004G>A on transcript NM_015338.6 (MANE Select); coding-DNA position 4004, G replaced by A.
Protein change: p.Ser1335Asn; replaces serine 1335 with asparagine.
Molecular consequence: missense variant.
Genome position (GRCh38, 1-based): chr20:32,436,716, G>A. VCF-style: chr20-32436716-G-A. GRCh37 (hg19) VCF-style: chr20-31024519-G-A.
Other names: c.3821G>A, p.Ser1274Asn (NM_001363734.1); short protein forms S1335N, S1274N.
Identifiers: ClinVar variation 4158050 (VCV004158050.1).

ClinVar aggregate classification (germline): Uncertain significance (1 of 4 stars; one submission).

Conditions:
Inborn genetic diseases. Identifiers: MedGen C0950123, MeSH D030342.

gnomAD v4.1: 2 of 1,614,022 alleles (0.00012%); highest among the groups gnomAD compares: Admixed American, 0.0017%; no homozygotes.

Submission:

Ambry Genetics
Classification: Uncertain significance for Inborn genetic diseases. Last evaluated: 2025-07-05. Review status: criteria provided, single submitter. Criteria: Ambry Variant Classification Scheme 2023. Collection method: clinical testing. Allele origin: germline.
Comment: The p.S1335N variant (also known as c.4004G>A), located in coding exon 13 of the ASXL1 gene, results from a G to A substitution at nucleotide position 4004. The serine at codon 1335 is replaced by asparagine, an amino acid with highly similar properties. This amino acid position is conserved. In addition, this alteration is predicted to be tolerated by in silico analysis. Based on the available evidence, the clinical significance of this variant remains unclear.